The following is an entry in ClinVar:

NM_004991.4(MECOM):c.1333C>T (p.Leu445Phe)

Gene: MECOM (MDS1 and EVI1 complex locus; minus strand). Cytogenetic location: 3q26.2.
Variant type: single nucleotide variant.
Coding change: c.1333C>T on transcript NM_004991.4 (MANE Select); coding-DNA position 1333, C replaced by T.
Protein change: p.Leu445Phe; replaces leucine 445 with phenylalanine.
Molecular consequence: missense variant. On other transcripts: intron variant (2).
Genome position (GRCh38, 1-based): chr3:169,116,539, G>A on the plus strand (C>T on the coding strand, the complement: MECOM is on the minus strand). VCF-style: chr3-169116539-G-A. GRCh37 (hg19) VCF-style: chr3-168834327-G-A.
Other names: c.964C>T, p.Leu322Phe (NM_001105077.4); c.769C>T, p.Leu257Phe (NM_001105078.4, NM_001164000.2, NM_001205194.2 and 4 more transcripts); c.772C>T, p.Leu258Phe (NM_001163999.2, NM_001366467.2, NM_001366468.2 and 1 more transcripts); c.1333C>T, p.Leu445Phe (NM_001366466.2); c.1133-772C>T (NM_001366473.2); c.569-772C>T (NM_001366474.2); short protein forms L257F, L445F, L258F, L322F.
Identifiers: ClinVar variation 4824299 (VCV004824299.1).

ClinVar aggregate classification (germline): Uncertain significance (1 of 4 stars; one submission).

Conditions:
Inborn genetic diseases. Identifiers: MedGen C0950123, MeSH D030342.

Submission:

Ambry Genetics
Classification: Uncertain significance for Inborn genetic diseases. Last evaluated: 2026-01-25. Review status: criteria provided, single submitter. Criteria: Ambry Variant Classification Scheme 2023. Collection method: clinical testing. Allele origin: germline.
Comment: The p.L445F variant (also known as c.1333C>T), located in coding exon 8 of the MECOM gene, results from a C to T substitution at nucleotide position 1333. The leucine at codon 445 is replaced by phenylalanine, an amino acid with highly similar properties. This amino acid position is conserved. In addition, this alteration is predicted to be tolerated by in silico analysis. Based on the available evidence, the clinical significance of this variant remains unclear.